The following is an entry in ClinVar:

ClinVar aggregate classification (germline): Likely benign. Review status: criteria provided, multiple submitters, no conflicts (2 of 4 stars). 3 submissions from 3 submitters: Likely benign (2). 1 of the submissions does not count toward it. Last evaluated 2024-11-21.

Conditions:
LAMA5-related disorder. Also called: LAMA5-related condition; LAMA5-Related Disorders.

Allele frequency attached by ClinVar (database versions not stated): gnomAD 0.00004; gnomAD exomes 0.00004; TOPMed 0.00004; ExAC 0.00014; 1000 Genomes Project 30x 0.00016; ESP Exome Variant Server 0.00016; 1000 Genomes Project 0.00020.
gnomAD v4.1: 70 of 1,601,396 alleles (0.0044%); highest among the groups gnomAD compares: East Asian, 0.04%; no homozygotes.

Submissions (3):

Blueprint Genetics
Classification: Likely benign. Last evaluated: 2024-11-21. Review status: criteria provided, single submitter. Criteria: ACMG Guidelines, 2015. Collection method: clinical testing. Allele origin: germline.

Labcorp Genetics (formerly Invitae), Labcorp
Classification: Likely benign. Last evaluated: 2022-09-21. Review status: criteria provided, single submitter. Criteria: Invitae Variant Classification Sherloc (09022015). Collection method: clinical testing. Allele origin: germline.

PreventionGenetics, part of Exact Sciences
Classification: Likely benign for LAMA5-related condition. Last evaluated: 2020-07-28. Review status: no assertion criteria provided. Collection method: clinical testing. Allele origin: germline. Not counted in ClinVar's aggregate classification.
Comment: This variant is classified as likely benign based on ACMG/AMP sequence variant interpretation guidelines (Richards et al. 2015 PMID: 25741868, with internal and published modifications).

NM_005560.6(LAMA5):c.6738C>T (p.Asp2246=)

Gene: LAMA5 (laminin subunit alpha 5; minus strand). Cytogenetic location: 20q13.33.
Variant type: single nucleotide variant.
Coding change: c.6738C>T on transcript NM_005560.6 (MANE Select); coding-DNA position 6738, C replaced by T.
Protein change: p.Asp2246=; no amino-acid change (aspartic acid 2246 retained).
Molecular consequence: synonymous variant.
Genome position (GRCh38, 1-based): chr20:62,320,580, G>A on the plus strand (C>T on the coding strand, the complement: LAMA5 is on the minus strand). VCF-style: chr20-62320580-G-A. GRCh37 (hg19) VCF-style: chr20-60895636-G-A.
Other names: c.6738C>T (NM_005560.4).
Identifiers: ClinVar variation 1912660 (VCV001912660.8), dbSNP rs186551655, ClinGen allele CA9941593.